The following is an entry in ClinVar:

ClinVar aggregate classification (germline): Likely benign (1 of 4 stars; one submission).

gnomAD v4.1: 26 of 1,574,930 alleles (0.0017%); highest among the groups gnomAD compares: Admixed American, 0.017%; no homozygotes.

Submission:

CeGaT Center for Human Genetics Tuebingen
Classification: Likely benign. Last evaluated: 2025-08-01. Review status: criteria provided, single submitter. Criteria: CeGaT Center For Human Genetics Tuebingen Variant Classification Criteria Version 2. Collection method: clinical testing. Allele origin: germline. Affected: yes. Observed: 1 variant allele.
Comment: ATCAY: BP4, BP7

NM_033064.5(ATCAY):c.552C>T (p.Tyr184=)

Gene: ATCAY (ATCAY kinesin light chain interacting caytaxin; plus strand). Cytogenetic location: 19p13.3.
Variant type: single nucleotide variant.
Coding change: c.552C>T on transcript NM_033064.5 (MANE Select); coding-DNA position 552, C replaced by T.
Protein change: p.Tyr184=; no amino-acid change (tyrosine 184 retained).
Molecular consequence: synonymous variant.
Genome position (GRCh38, 1-based): chr19:3,908,275, C>T. VCF-style: chr19-3908275-C-T. GRCh37 (hg19) VCF-style: chr19-3908273-C-T.
Identifiers: ClinVar variation 4084255 (VCV004084255.8).